The following is an entry in ClinVar:

NM_013276.4(SHPK):c.14C>T (p.Pro5Leu)

Gene: SHPK (sedoheptulokinase; minus strand). Cytogenetic location: 17p13.2.
Variant type: single nucleotide variant.
Coding change: c.14C>T on transcript NM_013276.4 (MANE Select); coding-DNA position 14, C replaced by T.
Protein change: p.Pro5Leu; replaces proline 5 with leucine.
Molecular consequence: missense variant.
Genome position (GRCh38, 1-based): chr17:3,636,206, G>A on the plus strand (C>T on the coding strand, the complement: SHPK is on the minus strand). VCF-style: chr17-3636206-G-A. GRCh37 (hg19) VCF-style: chr17-3539500-G-A.
Other names: c.14C>T (NM_013276.2); short protein forms P5L.
Identifiers: ClinVar variation 2760184 (VCV002760184.4), dbSNP rs138595855, ClinGen allele CA8291473.

ClinVar aggregate classification (germline): Uncertain significance. Review status: criteria provided, multiple submitters, no conflicts (2 of 4 stars). 2 submissions from 2 submitters: Uncertain significance (2). Last evaluated 2025-10-01.

Allele frequency attached by ClinVar (database versions not stated): ESP Exome Variant Server 0.00015.
gnomAD v4.1: 37 of 1,603,936 alleles (0.0023%); highest among the groups gnomAD compares: African/African-American, 0.044%; no homozygotes.

Submissions (2):

Labcorp Genetics (formerly Invitae), Labcorp
Classification: Uncertain significance. Last evaluated: 2025-10-01. Review status: criteria provided, single submitter. Criteria: Invitae Variant Classification Sherloc (09022015). Collection method: clinical testing. Allele origin: germline.
Comment: This sequence change replaces proline, which is neutral and non-polar, with leucine, which is neutral and non-polar, at codon 5 of the SHPK protein (p.Pro5Leu). This variant is present in population databases (rs138595855, gnomAD 0.06%), and has an allele count higher than expected for a pathogenic variant. This variant has not been reported in the literature in individuals affected with SHPK-related conditions. ClinVar contains an entry for this variant (Variation ID: 2760184). An algorithm developed to predict the effect of missense changes on protein structure and function (PolyPhen-2) suggests that this variant is likely to be tolerated. In summary, the available evidence is currently insufficient to determine the role of this variant in disease. Therefore, it has been classified as a Variant of Uncertain Significance.

Ambry Genetics
Classification: Uncertain significance. Last evaluated: 2024-04-12. Review status: criteria provided, single submitter. Criteria: Ambry Variant Classification Scheme 2023. Collection method: clinical testing. Allele origin: germline.